The following is an entry in ClinVar:

NM_004444.5(EPHB4):c.2128G>A (p.Gly710Arg)

Gene: EPHB4 (EPH receptor B4; minus strand). Cytogenetic location: 7q22.1.
Variant type: single nucleotide variant.
Coding change: c.2128G>A on transcript NM_004444.5 (MANE Select); coding-DNA position 2128, G replaced by A.
Protein change: p.Gly710Arg; replaces glycine 710 with arginine.
Molecular consequence: missense variant.
Genome position (GRCh38, 1-based): chr7:100,807,571, C>T on the plus strand (G>A on the coding strand, the complement: EPHB4 is on the minus strand). VCF-style: chr7-100807571-C-T. GRCh37 (hg19) VCF-style: chr7-100405193-C-T.
Other names: c.2128G>A (NM_004444.4); short protein forms G710R.
Identifiers: ClinVar variation 1447571 (VCV001447571.6), dbSNP rs375150649, ClinGen allele CA4392713.

ClinVar aggregate classification (germline): Conflicting classifications of pathogenicity. Review status: criteria provided, conflicting classifications (1 of 4 stars). 2 submissions from 2 submitters: Uncertain significance (1); Likely benign (1). Last evaluated 2025-05-02.

Conditions:
Cardiovascular phenotype. Identifiers: MedGen CN230736.

Allele frequency attached by ClinVar (database versions not stated): gnomAD exomes 0.00008 and 0.00002; gnomAD 0.00003 and 0.00004; ESP Exome Variant Server 0.00008; ExAC 0.00002; TOPMed 0.00005.
gnomAD v4.1: 120 of 1,612,582 alleles (0.0074%); highest among the groups gnomAD compares: Non-Finnish European, 0.0089%; no homozygotes.

Submissions (2):

Ambry Genetics
Classification: Likely benign for Cardiovascular phenotype. Last evaluated: 2025-05-02. Review status: criteria provided, single submitter. Criteria: Ambry Variant Classification Scheme 2023. Collection method: clinical testing. Allele origin: germline.

Labcorp Genetics (formerly Invitae), Labcorp
Classification: Uncertain significance. Last evaluated: 2021-09-17. Review status: criteria provided, single submitter. Criteria: Invitae Variant Classification Sherloc (09022015). Collection method: clinical testing. Allele origin: germline.
Comment: This sequence change replaces glycine with arginine at codon 710 of the EPHB4 protein (p.Gly710Arg). The glycine residue is highly conserved and there is a moderate physicochemical difference between glycine and arginine. This variant is present in population databases (rs375150649, ExAC 0.003%). This variant has not been reported in the literature in individuals affected with EPHB4-related conditions. Algorithms developed to predict the effect of missense changes on protein structure and function (SIFT, PolyPhen-2, Align-GVGD) all suggest that this variant is likely to be disruptive. In summary, the available evidence is currently insufficient to determine the role of this variant in disease. Therefore, it has been classified as a Variant of Uncertain Significance.